The following is an entry in ClinVar:

NM_177438.3(DICER1):c.1257T>G (p.Asp419Glu)

Gene: DICER1 (dicer 1, ribonuclease III; minus strand). Cytogenetic location: 14q32.13.
Variant type: single nucleotide variant.
Coding change: c.1257T>G on transcript NM_177438.3 (MANE Select); coding-DNA position 1257, T replaced by G.
Protein change: p.Asp419Glu; replaces aspartic acid 419 with glutamic acid.
Molecular consequence: missense variant. On other transcripts: 5 prime UTR variant (1), non-coding transcript variant (6).
Genome position (GRCh38, 1-based): chr14:95,124,315, A>C on the plus strand (T>G on the coding strand, the complement: DICER1 is on the minus strand). VCF-style: chr14-95124315-A-C. GRCh37 (hg19) VCF-style: chr14-95590652-A-C.
Other names: c.1257T>G, p.Asp419Glu (NM_001195573.1, NM_001271282.3, NM_001291628.2 and 15 more transcripts); c.975T>G, p.Asp325Glu (NM_001395686.1); c.852T>G, p.Asp284Glu (NM_001395687.1, NM_001395688.1, NM_001395689.1 and 3 more transcripts); c.690T>G, p.Asp230Glu (NM_001395691.1); c.-312T>G (NM_001395697.1); short protein forms D230E, D284E, D325E, D419E.
Identifiers: ClinVar variation 2637092 (VCV002637092.1), dbSNP rs2543174828, ClinGen allele CA390886467.
Genomic context (GRCh38, chr14:95,124,315, plus strand): 5'-GGTAAAAGGAGAAGGAAAATTTGTCTCTGGCTTCTCTTTTTCTTCAATTTCTTCATCCTC[A>C]TCATCATCCTCAGAATCACTCCATGACACATAATTATCCTGATTTCTATTATTATACCAC-3'
Protein context (NP_803187.1, residues 409-429): YVSWSDSEDD[Asp419Glu]EDEEIEEKEK

ClinVar aggregate classification (germline): Uncertain significance (1 of 4 stars; one submission).

Conditions:
DICER1-related disorder. Also called: DICER1-related condition.

Submission:

PreventionGenetics, part of Exact Sciences
Classification: Uncertain significance for DICER1-related condition. Last evaluated: 2023-07-10. Review status: criteria provided, single submitter. Criteria: ACMG Guidelines, 2015. Collection method: clinical testing. Allele origin: germline.
Comment: The DICER1 c.1257T>G variant is predicted to result in the amino acid substitution p.Asp419Glu. To our knowledge, this variant has not been reported in the literature or in a large population database, indicating this variant is rare. At this time, the clinical significance of this variant is uncertain due to the absence of conclusive functional and genetic evidence.